The following is an entry in ClinVar:

ClinVar aggregate classification (germline): Conflicting classifications of pathogenicity. Review status: criteria provided, conflicting classifications (1 of 4 stars). 4 submissions from 4 submitters: Uncertain significance (2); Likely benign (1). 1 of the submissions does not count toward it. Last evaluated 2025-09-26.

Conditions:
HBB-related disorder. Also called: HBB-related disorders; HBB-related condition. Identifiers: MedGen CN239378.
HEMOGLOBIN J (IRAN).

Submissions (4):

PreventionGenetics, part of Exact Sciences
Classification: Uncertain significance for HBB-related condition. Last evaluated: 2025-09-26. Review status: criteria provided, single submitter. Criteria: ACMG Guidelines, 2015. Collection method: clinical testing. Allele origin: germline.
Comment: The HBB c.232C>G variant is predicted to result in the amino acid substitution p.His78Asp. This variant, also referred to as Hb J-Iran and p.His77Asp using legacy nomenclature, has been reported in the homozygous state in an individual with hemoglobinopathy (Solouki et al. 2023. PubMed ID: 37520881). However, reports also suggest that individuals heterozygous for Hb J-Iran have minimal to no hematological anomalies (Rahbar et al. 1967. PubMed ID: 6019668; Rahbar et al. 1987. PubMed ID: 3676514; Kurtoğlu et al. 2016. PubMed ID: 28007613; Solouki A. et al. 2023. PubMed ID: 37520881). In vitro studies suggest this variant may impact tetramer stability and HbA1C levels (Delanoe-Garin et al. 1986. PubMed ID: 2943700; Kurtoğlu et al. 2016. PubMed ID: 28007613; Marin et al. 2025. PubMed ID: 40105895). This variant has not been reported in a large population database (gnomAD), indicating it is rare. A different missense change impacting the same amino acid (p.His78Tyr, also known as Hb Fukuyama) has been reported in individuals with abnormal hemoglobin (Ge et al. 2024. PubMed ID: 39262298). At this time, the clinical significance of the c.232C>G (p.His78Asp) variant is uncertain due to the absence of conclusive functional and genetic evidence.

Quest Diagnostics Nichols Institute San Juan Capistrano
Classification: Uncertain significance. Last evaluated: 2025-01-24. Review status: criteria provided, single submitter. Criteria: Quest Diagnostics criteria. Collection method: clinical testing. Allele origin: unknown.
Comment: The HBB c.232C>G (p.His78Asp) variant, also known as Hb J-Iran, has been reported in the published literature in heterozygous individuals showing no hematological abnormalities (PMIDs: 6019668 (1967), 3957698 (1986), 2943700 (1986), 2283300 (1990), and HbVar). Additionally, Hb J-Iran is noted to have normal stability, oxygen affinity, cooperativity, and Bohr effect (PMIDs: 2943700 (1986), 2283300 (1990)), and does not affect hematologic parameters (PMID: 28007613 (2017)). This variant has not been reported in large, multi-ethnic general populations (Genome Aggregation Database). Analysis of this variant using bioinformatics tools for the prediction of the effect of amino acid changes on protein structure and function yielded predictions that this variant is damaging. Based on the available information, we are unable to determine the clinical significance of this variant.

ARUP Laboratories, Molecular Genetics and Genomics, ARUP Laboratories
Classification: Likely benign. Last evaluated: 2024-05-13. Review status: criteria provided, single submitter. Criteria: ARUP Molecular Germline Variant Investigation Process 2024. Collection method: clinical testing. Allele origin: germline.
Comment: The Hb J-Iran variant (HBB: c.232C>G; p.His78Asp, also known as His77Asp when numbered from the mature protein, rs33991294, HbVar ID: 393) is reported in the literature in multiple heterozygous individuals with no significant clinical or hematological abnormalities (Dehghani 2011, Delanoe-Garin 1986, Kurtoglu 2017, Rahbar 1967, Solouki 2023, HbVar database and references therein). One individual with microcytic anemia was reported to be apparently homozygous for Hb J-Iran, but the presence of a large deletion was not ruled out (Solouki 2023). Thr Hb J-Iran variant is absent from general population databases (Exome Variant Server, Genome Aggregation Database), indicating it is not a common polymorphism. Functional studies suggest the variant is stable and has normal functional properties (Delanoe-Garin 1986), although its presence may interfere with measurement of hemoglobin A1c levels (Kurtoglu 2017). Based on available information, this variant is considered to be likely benign. References: Link to HbVar database: Dehghani SJ et al. Combined alpha-thalassemia and Hemoglobin J-Iran (Beta77 His ? Asp). A Family Study in southern Iran. Iran Red Crescent Med J. 2011 Aug;13(8):586-9. PMID: 22737531. Delanoe-Garin J et al. Hemoglobin J Iran alpha 2 beta 2 77 (EF1) his----Asp in a Russian-Armenian family. Hemoglobin. 1986;10(4):365-78. PMID: 2943700. Kurtoglu AU et al. Hemoglobin J-Iran (HBB c.232C>G): Interference with the assay of HbA1c. Clin Chim Acta. 2017 Feb;465:80-81. PMID: 28007613. Rahbar S et al. Abnormal haemoglobins in Iran. Observation of a new variant--haemoglobin J Iran (alpha-2-beta-2 77 His--Asp). Br Med J. 1967 Mar 18;1(5541):674-7. PMID: 6019668. Solouki A et al. Reporting two hemoglobin J Iran cases, molecular follow-up, or is it insignificant? Caspian J Intern Med. 2023 Summer;14(3):586-589. PMID: 37520881.

OMIM
Classification: other for HEMOGLOBIN J (IRAN). Last evaluated: 2017-12-12. Review status: no assertion criteria provided. Collection method: literature only. Allele origin: germline. Not counted in ClinVar's aggregate classification.

Literature cited by the submitters: PubMed 6019668 (cited by Quest Diagnostics Nichols Institute San Juan Capistrano); PubMed 3957698 (cited by Quest Diagnostics Nichols Institute San Juan Capistrano); PubMed 13703277 (cited by Quest Diagnostics Nichols Institute San Juan Capistrano and OMIM); PubMed 2943700 (cited by Quest Diagnostics Nichols Institute San Juan Capistrano); PubMed 2283300 (cited by Quest Diagnostics Nichols Institute San Juan Capistrano and OMIM); PubMed 28007613 (cited by Quest Diagnostics Nichols Institute San Juan Capistrano); PubMed 26120034 (cited by Quest Diagnostics Nichols Institute San Juan Capistrano); PubMed 27207683 (cited by Quest Diagnostics Nichols Institute San Juan Capistrano); PubMed 26635043 (cited by Quest Diagnostics Nichols Institute San Juan Capistrano); PubMed 6259091 (cited by OMIM); Delanoe, J., North, M. L., Arous, N., Bardakjian, J., Pflumio, F., Brunagel, M. L., Lacombe, C., Poyart, C., Galacteros, F., Rosa, J., Blouquit, Y. Hb Saverne: a new variant having an elongated beta chain. (Abstract) Blood 64: 56a, 1984. Note: Abstract: Hemoglobin 9: 108 only, 1985. (cited by OMIM).

NM_000518.4(HBB):c.232C>G (p.His78Asp)

Genes: HBB (hemoglobin subunit beta; minus strand), LOC106099062 (HBB recombination region; plus strand), LOC107133510 (origin of replication at HBB; plus strand). Cytogenetic location: 11p15.4.
Variant type: single nucleotide variant.
Coding change: c.232C>G on transcript NM_000518.4; coding-DNA position 232, C replaced by G.
Protein change: p.His78Asp; replaces histidine 78 with aspartic acid.
Molecular consequence: missense variant (on NM_000518.5).
Genome position (GRCh38, 1-based): chr11:5,226,660, G>C on the plus strand (C>G on the coding strand, the complement: HBB is on the minus strand). VCF-style: chr11-5226660-G-C. GRCh37 (hg19) VCF-style: chr11-5247890-G-C.
Other names: H77D; c.232C>G, p.His78Asp (NM_000518.5); short protein forms H78D.
Identifiers: ClinVar variation 15221 (VCV000015221.9), dbSNP rs33991294, ClinGen allele CA124951.
Genomic context (GRCh38, chr11:5,226,660, plus strand): 5'-GCAGCTTGTCACAGTGCAGCTCACTCAGTGTGGCAAAGGTGCCCTTGAGGTTGTCCAGGT[G>C]AGCCAGGCCATCACTAAAGGCACCGAGCACTTTCTTGCCATGAGCCTTCACCTTAGGGTT-3'
Protein context (NP_000509.1, residues 68-88): VLGAFSDGLA[His78Asp]LDNLKGTFAT